The following is an entry in ClinVar:

ClinVar aggregate classification (germline): Uncertain significance. Review status: criteria provided, multiple submitters, no conflicts (2 of 4 stars). 8 submissions from 7 submitters: Uncertain significance (8). Last evaluated 2026-01-06.

Conditions:
Familial thoracic aortic aneurysm and aortic dissection (TAAD). Also called: Thoracic aortic aneurysms and dissections. Identifiers: Orphanet 91387, MedGen C4707243, MONDO:0019625.
Lissencephaly 4 (LIS4). Also called: Lissencephaly 4 (with microcephaly). Identifiers: Orphanet 1083, MedGen C3151461, MONDO:0013527, OMIM 614019.
Aortic aneurysm, familial thoracic 4 (AAT4). Also called: AORTIC ANEURYSM/AORTIC DISSECTION AND PATENT DUCTUS ARTERIOSUS. Identifiers: MedGen C1851504, MONDO:0007568, OMIM 132900.

Allele frequency attached by ClinVar (database versions not stated): gnomAD 0.00002; gnomAD exomes 0.00002 and 0.00005; TOPMed 0.00003; ExAC 0.00004; ESP Exome Variant Server 0.00008.
gnomAD v4.1: 73 of 1,614,006 alleles (0.0045%); highest among the groups gnomAD compares: Non-Finnish European, 0.0059%; no homozygotes.

Submissions (8):

Labcorp Genetics (formerly Invitae), Labcorp
Classification: Uncertain significance for Aortic aneurysm, familial thoracic 4. Last evaluated: 2026-01-06. Review status: criteria provided, single submitter. Criteria: Invitae Variant Classification Sherloc (09022015). Collection method: clinical testing. Allele origin: germline.
Comment: This sequence change replaces arginine, which is basic and polar, with histidine, which is basic and polar, at codon 1346 of the MYH11 protein (p.Arg1346His). This variant is present in population databases (rs374271463, gnomAD 0.005%). This variant has not been reported in the literature in individuals affected with MYH11-related conditions. ClinVar contains an entry for this variant (Variation ID: 201071). Invitae Evidence Modeling of protein sequence and biophysical properties (such as structural, functional, and spatial information, amino acid conservation, physicochemical variation, residue mobility, and thermodynamic stability) indicates that this missense variant is not expected to disrupt MYH11 protein function with a negative predictive value of 95%. In summary, the available evidence is currently insufficient to determine the role of this variant in disease. Therefore, it has been classified as a Variant of Uncertain Significance.

Ambry Genetics
Classification: Uncertain significance for Familial thoracic aortic aneurysm and aortic dissection. Last evaluated: 2024-07-08. Review status: criteria provided, single submitter. Criteria: Ambry Variant Classification Scheme 2023. Collection method: clinical testing. Allele origin: germline.
Comment: The p.R1339H variant (also known as c.4016G>A), located in coding exon 29 of the MYH11 gene, results from a G to A substitution at nucleotide position 4016. The arginine at codon 1339 is replaced by histidine, an amino acid with highly similar properties. This amino acid position is conserved. In addition, this alteration is predicted to be deleterious by in silico analysis. Since supporting evidence is limited at this time, the clinical significance of this alteration remains unclear.

Color Diagnostics, LLC DBA Color Health
Classification: Uncertain significance for Familial thoracic aortic aneurysm and aortic dissection. Last evaluated: 2024-03-06. Review status: criteria provided, single submitter. Criteria: ACMG Guidelines, 2015. Collection method: clinical testing. Allele origin: germline.
Comment: This missense variant replaces arginine with histidine at codon 1346 of the MYH11 protein. Computational prediction suggests that this variant may have a deleterious impact on protein structure and function (internally defined REVEL score threshold >= 0.7, PMID: 27666373). To our knowledge, functional studies have not been reported for this variant. This variant has not been reported in individuals affected with MYH11-related disorders in the literature. This variant has been identified in 8/282358 chromosomes in the general population by the Genome Aggregation Database (gnomAD). The available evidence is insufficient to determine the role of this variant in disease conclusively. Therefore, this variant is classified as a Variant of Uncertain Significance.

Victorian Clinical Genetics Services, Murdoch Childrens Research Institute
Classification: Uncertain significance for Aortic aneurysm, familial thoracic 4. Last evaluated: 2021-05-06. Review status: criteria provided, single submitter. Criteria: ACMG Guidelines, 2015. Collection method: clinical testing. Allele origin: germline. Inheritance: Autosomal dominant inheritance. Affected: yes.
Comment: Based on the classification scheme VCGS_Germline_v1.3.4, this variant is classified as VUS-3B. Following criteria are met: 0102 - Loss of function is a known mechanism of disease in this gene and is associated with megacystis-microcolon-intestinal-hypoperistalsis syndrome (MMIHS). The disease mechanism for chronic intestinal pseudo-obstruction (CIPO) and familial thoracic aortic aneurysm 4 (MIM#132900) is unclear however loss of function and dominant negative have been suggested respectively. (PMID: 31944481) (I) 0108 - This gene is associated with both recessive and dominant disease. MMIHS is autosomal recessive form of disease caused by both missense variants and those resulting in a premature termination codon. Familial thoracic aortic aneurysm 4 is autosomal dominant and has been reported in patients with splice, missense and inframe deletion variants. CIPO is autosomal dominant and has only been reported in patients with protein elongation variants exclusive to isoform SM2 (PMIDs: 31389005, 31944481). (I) 0200 - Variant is predicted to result in a missense amino acid change from arginine to histidine. (I) 0251 - This variant is heterozygous. (I) 0302 - Variant is present in gnomAD (v2) <0.001 for a dominant condition (8 heterozygotes, 0 homozygotes). (SP) 0309 - An alternative amino acid change at the same position has been observed in gnomAD (v2) (1 heterozygote, 0 homozygotes). (I) 0502 - Missense variant with conflicting in silico predictions and uninformative conservation. (I) 0600 - Variant is located in the annotated myosin tail 1 domain (NCBI). (I) 0705 - No comparable missense variants have previous evidence for pathogenicity. Two alternative amino acid changes at the same position (p.(Arg1339Ser), p.(Arg1339Cys)) have been reported as uncertain significance in ClinVar. (I) 0809 - Previous evidence of pathogenicity for this variant is inconclusive. This variant has been reported multiple times as uncertain significance in ClinVar. (I) 0905 - No published segregation evidence has been identified for this variant. (I) 1007 - No published functional evidence has been identified for this variant. (I) 1208 - Inheritance information for this variant is not currently available in this individual. (I) Legend: (SP) - Supporting pathogenic, (I) - Information, (SB) - Supporting benign

GeneDx
Classification: Uncertain significance. Last evaluated: 2021-03-19. Review status: criteria provided, single submitter. Criteria: GeneDx Variant Classification Process June 2021. Collection method: clinical testing. Allele origin: germline. Affected: yes.
Comment: Has not been previously published as pathogenic or benign to our knowledge; In silico analysis supports that this missense variant has a deleterious effect on protein structure/function; Reported in ClinVar as a variant of uncertain significance (ClinVar Variant ID# 201071; Landrum et al., 2016)

Fulgent Genetics
Classification: Uncertain significance for Aortic aneurysm, familial thoracic 4. Last evaluated: 2018-10-31. Review status: criteria provided, single submitter. Criteria: ACMG Guidelines, 2015. Collection method: clinical testing. Allele origin: unknown.

Illumina Laboratory Services, Illumina
Classification: Uncertain significance for Lissencephaly 4. Last evaluated: 2018-01-13. Review status: criteria provided, single submitter. Criteria: ICSL Variant Classification Criteria 13 December 2019. Collection method: clinical testing. Allele origin: germline.

Illumina Laboratory Services, Illumina
Classification: Uncertain significance for Aortic aneurysm, familial thoracic 4. Last evaluated: 2017-04-27. Review status: criteria provided, single submitter. Criteria: ICSL Variant Classification Criteria 13 December 2019. Collection method: clinical testing. Allele origin: germline.

Literature cited by the submitters: PubMed 31389005 (cited by Victorian Clinical Genetics Services, Murdoch Childrens Research Institute); PubMed 31944481 (cited by Victorian Clinical Genetics Services, Murdoch Childrens Research Institute).

NM_002474.3(MYH11):c.4016G>A (p.Arg1339His)

Genes: MYH11 (myosin heavy chain 11; minus strand), NDE1 (nudE neurodevelopment protein 1; plus strand). Cytogenetic location: 16p13.11.
Variant type: single nucleotide variant.
Coding change: c.4016G>A on transcript NM_002474.3 (MANE Select); coding-DNA position 4016, G replaced by A.
Protein change: p.Arg1339His; replaces arginine 1339 with histidine.
Molecular consequence: missense variant. On other transcripts: 3 prime UTR variant (2).
Genome position (GRCh38, 1-based): chr16:15,724,747, C>T on the plus strand (G>A on the coding strand, the complement: MYH11 is on the minus strand). VCF-style: chr16-15724747-C-T. GRCh37 (hg19) VCF-style: chr16-15818604-C-T.
Other names: p.R1339H:CGC>CAC; c.4016G>A, p.Arg1339His (NM_022844.3); c.*496C>T (NM_001143979.2, NM_017668.3); c.4037G>A, p.Arg1346His (NM_001040113.2, NM_001040114.2); short protein forms R1339H, R1346H.
Identifiers: ClinVar variation 201071 (VCV000201071.22), dbSNP rs374271463, ClinGen allele CA306555.